The following is an entry in ClinVar:

NM_005245.4(FAT1):c.12303C>T (p.Gly4101=)

Gene: FAT1 (FAT atypical cadherin 1; minus strand). Cytogenetic location: 4q35.2.
Variant type: single nucleotide variant.
Coding change: c.12303C>T on transcript NM_005245.4 (MANE Select); coding-DNA position 12303, C replaced by T.
Protein change: p.Gly4101=; no amino-acid change (glycine 4101 retained).
Molecular consequence: synonymous variant.
Genome position (GRCh38, 1-based): chr4:186,597,747, G>A on the plus strand (C>T on the coding strand, the complement: FAT1 is on the minus strand). VCF-style: chr4-186597747-G-A. GRCh37 (hg19) VCF-style: chr4-187518901-G-A.
Identifiers: ClinVar variation 1658331 (VCV001658331.32), dbSNP rs755127492, ClinGen allele CA3164863.

ClinVar aggregate classification (germline): Likely benign. Review status: criteria provided, multiple submitters, no conflicts (2 of 4 stars). 2 submissions from 2 submitters: Likely benign (2). Last evaluated 2022-07-19.

Allele frequency attached by ClinVar (database versions not stated): gnomAD exomes 0.00001 and 0.00002; ExAC 0.00002; gnomAD 0.00003 and 0.00004.
gnomAD v4.1: 32 of 1,613,750 alleles (0.002%); highest among the groups gnomAD compares: African/African-American, 0.013%; no homozygotes.

Submissions (2):

Labcorp Genetics (formerly Invitae), Labcorp
Classification: Likely benign. Last evaluated: 2022-07-19. Review status: criteria provided, single submitter. Criteria: Invitae Variant Classification Sherloc (09022015). Collection method: clinical testing. Allele origin: germline.

CeGaT Center for Human Genetics Tuebingen
Classification: Likely benign. Last evaluated: 2022-04-01. Review status: criteria provided, single submitter. Criteria: CeGaT Center For Human Genetics Tuebingen Variant Classification Criteria Version 2. Collection method: clinical testing. Allele origin: germline. Affected: yes. Observed: 1 variant allele.
Comment: FAT1: BP4, BP7